The following is an entry in ClinVar:

NM_000169.3(GLA):c.547+1G>T

Genes: GLA (galactosidase alpha; minus strand), RPL36A-HNRNPH2 (RPL36A-HNRNPH2 readthrough; plus strand). Cytogenetic location: Xq22.1.
Variant type: single nucleotide variant.
Coding change: c.547+1G>T on transcript NM_000169.3 (MANE Select); the canonical splice donor site of the intron after coding-DNA position 547, G replaced by T.
Molecular consequence: splice donor variant. On other transcripts: missense variant (1), intron variant (2).
Genome position (GRCh38, 1-based): chrX:101,401,631, C>A on the plus strand (G>T on the coding strand, the complement: GLA is on the minus strand). VCF-style: chrX-101401631-C-A. GRCh37 (hg19) VCF-style: chrX-100656619-C-A.
Other names: c.671G>T, p.Gly224Val (NM_001406749.1); c.300+6174C>A (NM_001199973.2); c.177+9809C>A (NM_001199974.2); c.670+1G>T (NM_001406747.1); c.547+1G>T (NM_001406748.1); short protein forms G224V.
Identifiers: ClinVar variation 4087211 (VCV004087211.2).
Genomic context (GRCh38, chrX:101,401,631, plus strand): 5'-TCAGCTACCATGGCCTCAAAGTTCTTTCCTTTGTGGCTAAATCTCTGGAATGAAACATTA[C>A]CATCTGCCAAATTTTCCAAACTGTCACAGTAACAACCATCAAATTTTAGCAGATCTACTC-3'

ClinVar aggregate classification (germline): Pathogenic (1 of 4 stars; one submission).

Conditions:
Fabry disease. Also called: ALPHA-GALACTOSIDASE A DEFICIENCY; ANDERSON-FABRY DISEASE; CERAMIDE TRIHEXOSIDASE DEFICIENCY; GLA DEFICIENCY; HEREDITARY DYSTOPIC LIPIDOSIS; Angiokeratoma corporis diffusum. Identifiers: Orphanet 324, MedGen C0002986, MONDO:0010526, OMIM 301500, HP:0001071. Disease mechanism: Fabry disease is due to inactivating mutations in the X-linked GLA gene resulting in deficiency of the enzyme Alpha Galactosidase-A., loss of function.

Submission:

Genomenon, Inc
Classification: Pathogenic for Fabry disease. Last evaluated: 2026-09-08. Review status: criteria provided, single submitter. Criteria: Genomenon Sequence Variant Interpretation Standards - Updated. Collection method: curation. Allele origin: germline. Affected: yes.
Comment: GLA c.547+1G>T is a canonical splice variant affecting the donor splice site of intron 3. It is predicted to affect mRNA splicing, leading to a deleterious effect on the GLA protein. This variant has been observed in at least one proband with clinical features consistent with Fabry disease (PMID:28069318). The variant was found to segregate with disease in at least one affected family (PMID:28069318). It is absent or not present at a significant frequency in gnomAD. In conclusion, we classify GLA c.547+1G>T as a pathogenic variant.

Literature cited by the submitters: PubMed 28069318.